The following is an entry in ClinVar:

NM_001131016.2(CIZ1):c.358+8A>G

Gene: CIZ1 (CDKN1A interacting zinc finger protein 1; minus strand). Cytogenetic location: 9q34.11.
Variant type: single nucleotide variant.
Coding change: c.358+8A>G on transcript NM_001131016.2 (MANE Select); 8 bases into the intron after coding-DNA position 358, A replaced by G.
Molecular consequence: intron variant.
Genome position (GRCh38, 1-based): chr9:128,187,855, T>C on the plus strand (A>G on the coding strand, the complement: CIZ1 is on the minus strand). VCF-style: chr9-128187855-T-C. GRCh37 (hg19) VCF-style: chr9-130950134-T-C.
Other names: c.358+8A>G (NM_001131015.2, NM_012127.3, NM_001131017.2); c.448+8A>G (NM_001257975.2); c.55+8A>G (NM_001257976.2); c.287-2079A>G (NM_001131018.2).
Identifiers: ClinVar variation 2162863 (VCV002162863.4), dbSNP rs781269897, ClinGen allele CA5257613.

ClinVar aggregate classification (germline): Uncertain significance (1 of 4 stars; one submission).

Conditions:
Dystonic disorder. Also called: Dystonia. Identifiers: MedGen C0013421, MONDO:0003441, HP:0001332.

Allele frequency attached by ClinVar (database versions not stated): ExAC 0.00001; gnomAD 0.00001; gnomAD exomes below 0.00001; TOPMed below 0.00001.
gnomAD v4.1: 3 of 697,644 alleles (0.00043%); highest among the groups gnomAD compares: East Asian, 0.0025%; no homozygotes.

Submission:

Labcorp Genetics (formerly Invitae), Labcorp
Classification: Uncertain significance for Dystonic disorder. Last evaluated: 2022-10-14. Review status: criteria provided, single submitter. Criteria: Invitae Variant Classification Sherloc (09022015). Collection method: clinical testing. Allele origin: germline.
Comment: In summary, the available evidence is currently insufficient to determine the role of this variant in disease. Therefore, it has been classified as a Variant of Uncertain Significance. Algorithms developed to predict the effect of sequence changes on RNA splicing suggest that this variant may disrupt the consensus splice site. This variant has not been reported in the literature in individuals affected with CIZ1-related conditions. The frequency data for this variant in the population databases is considered unreliable, as metrics indicate poor data quality at this position in the gnomAD database. This sequence change falls in intron 4 of the CIZ1 gene. It does not directly change the encoded amino acid sequence of the CIZ1 protein.